The following is an entry in ClinVar:

ClinVar aggregate classification (germline): Conflicting classifications of pathogenicity. Review status: criteria provided, conflicting classifications (1 of 4 stars). 4 submissions from 4 submitters: Uncertain significance (1); Benign (1); Likely benign (2). Last evaluated 2026-01-28.

Conditions:
Autosomal recessive distal renal tubular acidosis. Identifiers: Orphanet 402041, MedGen C1864498, MONDO:0018440.

Allele frequency attached by ClinVar (database versions not stated): 1000 Genomes Project 30x 0.00047; 1000 Genomes Project 0.00060; gnomAD exomes 0.00127 and 0.00195; gnomAD 0.00136 and 0.00138; TOPMed 0.00136; ExAC 0.00139; ESP Exome Variant Server 0.00200.

Submissions (4):

Labcorp Genetics (formerly Invitae), Labcorp
Classification: Benign. Last evaluated: 2026-01-28. Review status: criteria provided, single submitter. Criteria: Invitae Variant Classification Sherloc (09022015). Collection method: clinical testing. Allele origin: germline.

Mayo Clinic Laboratories, Mayo Clinic
Classification: Likely benign. Last evaluated: 2024-11-20. Review status: criteria provided, single submitter. Criteria: ACMG Guidelines, 2015. Collection method: clinical testing. Allele origin: germline. Observed: 2 variant alleles.
Comment: BP4, BP7

Blueprint Genetics
Classification: Likely benign. Last evaluated: 2024-11-15. Review status: criteria provided, single submitter. Criteria: ACMG Guidelines, 2015. Collection method: clinical testing. Allele origin: germline.

Illumina Laboratory Services, Illumina
Classification: Uncertain significance for Renal tubular acidosis, distal, 3, with or without sensorineural hearing loss. Last evaluated: 2018-01-12. Review status: criteria provided, single submitter. Criteria: ICSL Variant Classification Criteria 13 December 2019. Collection method: clinical testing. Allele origin: germline.

NM_020632.3(ATP6V0A4):c.2403T>C (p.Ala801=)

Gene: ATP6V0A4 (ATPase H+ transporting V0 subunit a4; minus strand). Cytogenetic location: 7q34.
Variant type: single nucleotide variant.
Coding change: c.2403T>C on transcript NM_020632.3 (MANE Select); coding-DNA position 2403, T replaced by C.
Protein change: p.Ala801=; no amino-acid change (alanine 801 retained).
Molecular consequence: synonymous variant.
Genome position (GRCh38, 1-based): chr7:138,709,650, A>G on the plus strand (T>C on the coding strand, the complement: ATP6V0A4 is on the minus strand). VCF-style: chr7-138709650-A-G. GRCh37 (hg19) VCF-style: chr7-138394395-A-G.
Other names: p.Ala801=; c.2403T>C, p.Ala801= (NM_130840.3, NM_130841.3).
Identifiers: ClinVar variation 359005 (VCV000359005.15), dbSNP rs138627775, ClinGen allele CA4504437.
Genomic context (GRCh38, chr7:138,709,650, plus strand): 5'-CCACATTGAGCTTCCAGGGGACAACCATCCTTACCAGTGCAGTCGCAGGGCGTGCAGGAA[A>G]GCAGAGAGGCCCTCCATGATCAGAAGGATGGCTACTGTCAGGACAGCAAATACGGCAAAA-3'
Protein context (NP_065683.2, residues 791-811): AILLIMEGLS[Ala801=]FLHALRLHWV